The following is an entry in ClinVar:

ClinVar aggregate classification (germline): Benign/Likely benign. Review status: criteria provided, multiple submitters, no conflicts (2 of 4 stars). 4 submissions from 4 submitters: Benign (3); Likely benign (1). Last evaluated 2026-01-27.

Allele frequency attached by ClinVar (database versions not stated): gnomAD exomes 0.00038 and 0.00092; ExAC 0.00106; gnomAD 0.00333 and 0.00358; TOPMed 0.00357; 1000 Genomes Project 0.00359; 1000 Genomes Project 30x 0.00375; ESP Exome Variant Server 0.00423.
gnomAD v4.1: 1,083 of 1,613,682 alleles (0.067%); highest among the groups gnomAD compares: African/African-American, 1.1%; 5 homozygotes.

Submissions (4):

Labcorp Genetics (formerly Invitae), Labcorp
Classification: Benign. Last evaluated: 2026-01-27. Review status: criteria provided, single submitter. Criteria: Invitae Variant Classification Sherloc (09022015). Collection method: clinical testing. Allele origin: germline.

Blueprint Genetics
Classification: Likely benign. Last evaluated: 2024-11-27. Review status: criteria provided, single submitter. Criteria: ACMG Guidelines, 2015. Collection method: clinical testing. Allele origin: germline.

GeneDx
Classification: Benign. Last evaluated: 2019-12-18. Review status: criteria provided, single submitter. Criteria: GeneDx Variant Classification Process June 2021. Collection method: clinical testing. Allele origin: germline. Affected: yes.

Laboratory for Molecular Medicine, Mass General Brigham Personalized Medicine
Classification: Benign. Last evaluated: 2017-08-23. Review status: criteria provided, single submitter. Criteria: LMM Criteria. Collection method: clinical testing. Allele origin: germline. Observed: 1 variant allele.
Comment: p.Ala224Ala in exon 2 of S1PR2: This variant is not expected to have clinical si gnificance because it does not alter an amino acid residue, is not located withi n the splice consensus sequence, and has been identified in 1.13% (116/10248) of African chromosomes by the Exome Aggregation Consortium (ExAC; dbSNP rs73922356).

NM_004230.4(S1PR2):c.672C>T (p.Ala224=)

Gene: S1PR2 (sphingosine-1-phosphate receptor 2; minus strand). Cytogenetic location: 19p13.2.
Variant type: single nucleotide variant.
Coding change: c.672C>T on transcript NM_004230.4 (MANE Select); coding-DNA position 672, C replaced by T.
Protein change: p.Ala224=; no amino-acid change (alanine 224 retained).
Molecular consequence: synonymous variant.
Genome position (GRCh38, 1-based): chr19:10,224,234, G>A on the plus strand (C>T on the coding strand, the complement: S1PR2 is on the minus strand). VCF-style: chr19-10224234-G-A. GRCh37 (hg19) VCF-style: chr19-10334910-G-A.
Identifiers: ClinVar variation 506087 (VCV000506087.15), dbSNP rs73922356, ClinGen allele CA9189050.